The following is an entry in ClinVar:

NM_004370.6(COL12A1):c.5853T>C (p.Asp1951=)

Gene: COL12A1 (collagen type XII alpha 1 chain; minus strand). Cytogenetic location: 6q13.
Variant type: single nucleotide variant.
Coding change: c.5853T>C on transcript NM_004370.6 (MANE Select); coding-DNA position 5853, T replaced by C.
Protein change: p.Asp1951=; no amino-acid change (aspartic acid 1951 retained).
Molecular consequence: synonymous variant.
Genome position (GRCh38, 1-based): chr6:75,132,024, A>G on the plus strand (T>C on the coding strand, the complement: COL12A1 is on the minus strand). VCF-style: chr6-75132024-A-G. GRCh37 (hg19) VCF-style: chr6-75841740-A-G.
Other names: c.5853T>C, p.Asp1951= (NM_001424113.1); c.5832T>C, p.Asp1944= (NM_001424114.1); c.5580T>C, p.Asp1860= (NM_001424115.1); c.2361T>C, p.Asp787= (NM_001424116.1, NM_080645.3).
Identifiers: ClinVar variation 3757175 (VCV003757175.7).

ClinVar aggregate classification (germline): Likely benign. Review status: criteria provided, multiple submitters, no conflicts (2 of 4 stars). 2 submissions from 2 submitters: Likely benign (2). Last evaluated 2025-12-01.

Conditions:
Ullrich congenital muscular dystrophy 2 (UCMD2). Identifiers: Orphanet 75840, MedGen C4225314, MONDO:0014654, OMIM 616470.
Bethlem myopathy 2 (BTHLM2). Identifiers: Orphanet 536516, Orphanet 610, MedGen C4225313, MONDO:0034022, OMIM 616471.

Submissions (2):

CeGaT Center for Human Genetics Tuebingen
Classification: Likely benign. Last evaluated: 2025-12-01. Review status: criteria provided, single submitter. Criteria: CeGaT Center For Human Genetics Tuebingen Variant Classification Criteria Version 2. Collection method: clinical testing. Allele origin: germline. Affected: yes. Observed: 1 variant allele.
Comment: COL12A1: PM2:Supporting, BP4, BP7

Labcorp Genetics (formerly Invitae), Labcorp
Classification: Likely benign for Bethlem myopathy 2; Ullrich congenital muscular dystrophy 2. Last evaluated: 2024-12-29. Review status: criteria provided, single submitter. Criteria: Invitae Variant Classification Sherloc (09022015). Collection method: clinical testing. Allele origin: germline.